The following is an entry in ClinVar:

ClinVar aggregate classification (germline): Uncertain significance (1 of 4 stars; one submission).

Submission:

Labcorp Genetics (formerly Invitae), Labcorp
Classification: Uncertain significance. Last evaluated: 2022-06-22. Review status: criteria provided, single submitter. Criteria: Invitae Variant Classification Sherloc (09022015). Collection method: clinical testing. Allele origin: germline.
Comment: In summary, the available evidence is currently insufficient to determine the role of this variant in disease. Therefore, it has been classified as a Variant of Uncertain Significance. This variant has not been reported in the literature in individuals affected with RS1-related conditions. This variant results in a copy number gain of the genomic region encompassing exon(s) 1-4 of the RS1 gene. This region includes the initiator codon of the gene. This copy number gain extends beyond the assayed region for this gene and therefore may encompass additional genes. As the precise location of this event is unknown, it may be in tandem or it may be located elsewhere in the genome.

NC_000023.10:g.(?_18664107)_(19032212_?)dup

Genes: ADGRG2 (adhesion G protein-coupled receptor G2; minus strand), CDKL5 (cyclin dependent kinase like 5; plus strand), PHKA2 (phosphorylase kinase regulatory subunit alpha 2; minus strand), PPEF1 (protein phosphatase with EF-hand domain 1; plus strand), RS1 (retinoschisin 1; minus strand). Cytogenetic location: Xp22.13.
Variant type: Duplication.
Identifiers: ClinVar variation 2422912 (VCV002422912.2).